The following is an entry in ClinVar:

NM_005428.4(VAV1):c.1537G>A (p.Ala513Thr)

Gene: VAV1 (vav guanine nucleotide exchange factor 1; plus strand). Cytogenetic location: 19p13.3.
Variant type: single nucleotide variant.
Coding change: c.1537G>A on transcript NM_005428.4 (MANE Select); coding-DNA position 1537, G replaced by A.
Protein change: p.Ala513Thr; replaces alanine 513 with threonine.
Molecular consequence: missense variant.
Genome position (GRCh38, 1-based): chr19:6,833,212, G>A. VCF-style: chr19-6833212-G-A. GRCh37 (hg19) VCF-style: chr19-6833223-G-A.
Other names: c.1537G>A, p.Ala513Thr (NM_001258206.2); c.1441G>A, p.Ala481Thr (NM_001258207.2); short protein forms A481T, A513T.
Identifiers: ClinVar variation 4780468 (VCV004780468.1).

ClinVar aggregate classification (germline): Uncertain significance (1 of 4 stars; one submission).

gnomAD v4.1: 22 of 1,608,130 alleles (0.0014%); highest among the groups gnomAD compares: African/African-American, 0.0027%; no homozygotes.

Submission:

Labcorp Genetics (formerly Invitae), Labcorp
Classification: Uncertain significance. Last evaluated: 2025-07-02. Review status: criteria provided, single submitter. Criteria: Invitae Variant Classification Sherloc (09022015). Collection method: clinical testing. Allele origin: germline.
Comment: This sequence change replaces alanine, which is neutral and non-polar, with threonine, which is neutral and polar, at codon 513 of the VAV1 protein (p.Ala513Thr). This variant is present in population databases (rs150058721, gnomAD 0.007%). This variant has not been reported in the literature in individuals affected with VAV1-related conditions. An algorithm developed to predict the effect of missense changes on protein structure and function (PolyPhen-2) suggests that this variant is likely to be disruptive. In summary, the available evidence is currently insufficient to determine the role of this variant in disease. Therefore, it has been classified as a Variant of Uncertain Significance.